The following is an entry in ClinVar:

NM_004655.4(AXIN2):c.2237+8T>A

Gene: AXIN2 (axin 2; minus strand). Cytogenetic location: 17q24.1.
Variant type: single nucleotide variant.
Coding change: c.2237+8T>A on transcript NM_004655.4 (MANE Select); 8 bases into the intron after coding-DNA position 2237, T replaced by A.
Molecular consequence: intron variant.
Genome position (GRCh38, 1-based): chr17:65,535,618, A>T on the plus strand (T>A on the coding strand, the complement: AXIN2 is on the minus strand). VCF-style: chr17-65535618-A-T. GRCh37 (hg19) VCF-style: chr17-63531736-A-T.
Other names: c.2042+8T>A (NM_001363813.1).
Identifiers: ClinVar variation 1617038 (VCV001617038.9), dbSNP rs2043897911, ClinGen allele CA2270882896.

ClinVar aggregate classification (germline): Likely benign. Review status: criteria provided, multiple submitters, no conflicts (2 of 4 stars). 2 submissions from 2 submitters: Likely benign (2). Last evaluated 2024-07-10.

Conditions:
Oligodontia-cancer predisposition syndrome. Also called: TOOTH AGENESIS-COLORECTAL CANCER SYNDROME. Identifiers: Orphanet 300576, MedGen C1837750, MONDO:0012075, OMIM 608615. Disease mechanism: loss of function.

gnomAD v4.1: 3 of 1,613,064 alleles (0.00019%); highest among the groups gnomAD compares: African/African-American, 0.0013%; no homozygotes.

Submissions (2):

Myriad Genetics, Inc.
Classification: Likely benign for Oligodontia-cancer predisposition syndrome. Last evaluated: 2024-07-10. Review status: criteria provided, single submitter. Criteria: Myriad Autosomal Dominant, Autosomal Recessive and X-Linked Classification Criteria (2023). Collection method: clinical testing. Allele origin: unknown.
Comment: This variant is considered likely benign. This variant is intronic and is not expected to impact mRNA splicing.

Labcorp Genetics (formerly Invitae), Labcorp
Classification: Likely benign for Oligodontia-cancer predisposition syndrome. Last evaluated: 2024-05-22. Review status: criteria provided, single submitter. Criteria: Invitae Variant Classification Sherloc (09022015). Collection method: clinical testing. Allele origin: germline.